The following is an entry in ClinVar:

NC_000011.10:g.113475629T>C

Gene: DRD2 (dopamine receptor D2; minus strand). Cytogenetic location: 11q23.2.
Variant type: single nucleotide variant.
Genome position: GRCh38 VCF-style: chr11-113475629-T-C. GRCh37 (hg19) VCF-style: chr11-113346351-T-C.
Identifiers: ClinVar variation 225963 (VCV000225963.67), dbSNP rs1799978, ClinGen allele CA10576198.
Genomic context (GRCh38, chr11:113,475,629, plus strand): 5'-TTTTGAGGCGGGAACGCAACCCTCGACCGCCCACTGCGCTCCCACCCACACCCAGAGTAA[T>C]AAGCTGTGATTGCAGGCTGGGTCCTCACCGTCTGCTCGCCAGTCTTCTCCTTTGAGGACT-3'

ClinVar aggregate classification (germline): Benign. Review status: criteria provided, multiple submitters, no conflicts (2 of 4 stars). 3 submissions from 3 submitters: Benign (3). Last evaluated 2026-02-01.

Conditions:
Dystonic disorder. Also called: Dystonia. Identifiers: MedGen C0013421, MONDO:0003441, HP:0001332.

Allele frequency attached by ClinVar (database versions not stated): gnomAD exomes 0.03333; gnomAD 0.09198 and 0.09185; 1000 Genomes Project 0.11901; TOPMed 0.09318; 1000 Genomes Project 30x 0.11805.

Submissions (3):

Labcorp Genetics (formerly Invitae), Labcorp
Classification: Benign for Dystonic disorder. Last evaluated: 2026-02-01. Review status: criteria provided, single submitter. Criteria: Invitae Variant Classification Sherloc (09022015). Collection method: clinical testing. Allele origin: germline.

GeneDx
Classification: Benign. Last evaluated: 2018-03-09. Review status: criteria provided, single submitter. Criteria: GeneDx Variant Classification (06012015). Collection method: clinical testing. Allele origin: germline. Affected: yes.
Comment: This variant is considered likely benign or benign based on one or more of the following criteria: it is a conservative change, it occurs at a poorly conserved position in the protein, it is predicted to be benign by multiple in silico algorithms, and/or has population frequency not consistent with disease.

Breakthrough Genomics
Classification: Benign. Review status: criteria provided, single submitter. Criteria: ACMG Guidelines, 2015. Collection method: not provided. Allele origin: germline. Inheritance: Unknown mechanism. Affected: yes.